The following is an entry in ClinVar:

NM_000059.4(BRCA2):c.5477C>G (p.Ala1826Gly)

Gene: BRCA2 (BRCA2 DNA repair associated; plus strand). Cytogenetic location: 13q13.1.
Variant type: single nucleotide variant.
Coding change: c.5477C>G on transcript NM_000059.4 (MANE Select); coding-DNA position 5477, C replaced by G.
Protein change: p.Ala1826Gly; replaces alanine 1826 with glycine.
Molecular consequence: missense variant. On other transcripts: non-coding transcript variant (1), intron variant (2).
Genome position (GRCh38, 1-based): chr13:32,339,832, C>G. VCF-style: chr13-32339832-C-G. GRCh37 (hg19) VCF-style: chr13-32913969-C-G.
Other names: c.5477C>G, p.Ala1826Gly (NM_001406719.1, NM_001406720.1, NM_001432077.1); c.1910-4726C>G (NM_001406721.1); c.425-4726C>G (NM_001406722.1); short protein forms A1826G.
Identifiers: ClinVar variation 3636493 (VCV003636493.2).

ClinVar aggregate classification (germline): Uncertain significance (1 of 4 stars; one submission).

Conditions:
Hereditary breast ovarian cancer syndrome. Also called: Hereditary breast and ovarian cancer syndrome; Hereditary breast and ovarian cancer syndrome (HBOC); BRCA1- and BRCA2-Associated Hereditary Breast and Ovarian Cancer; Hereditary breast and ovarian cancer; Breast and ovarian cancer; Hereditary breast and/or ovarian cancer syndrome. Identifiers: Orphanet 145, MedGen C0677776, MeSH D061325, MONDO:0003582. Disease mechanism: loss of function.

Submission:

Labcorp Genetics (formerly Invitae), Labcorp
Classification: Uncertain significance for Hereditary breast ovarian cancer syndrome. Last evaluated: 2024-06-18. Review status: criteria provided, single submitter. Criteria: Invitae Variant Classification Sherloc (09022015). Collection method: clinical testing. Allele origin: germline.
Comment: This sequence change replaces alanine, which is neutral and non-polar, with glycine, which is neutral and non-polar, at codon 1826 of the BRCA2 protein (p.Ala1826Gly). This variant is not present in population databases (gnomAD no frequency). This variant has not been reported in the literature in individuals affected with BRCA2-related conditions. Advanced modeling of protein sequence and biophysical properties (such as structural, functional, and spatial information, amino acid conservation, physicochemical variation, residue mobility, and thermodynamic stability) performed at Invitae indicates that this missense variant is not expected to disrupt BRCA2 protein function with a negative predictive value of 95%. In summary, the available evidence is currently insufficient to determine the role of this variant in disease. Therefore, it has been classified as a Variant of Uncertain Significance.